The following is an entry in ClinVar:

ClinVar aggregate classification (germline): Likely benign (0 of 4 stars; one submission).

Conditions:
TRIM28-related disorder. Also called: TRIM28-related condition.

gnomAD v4.1: 13 of 1,613,934 alleles (0.00081%); highest among the groups gnomAD compares: African/African-American, 0.0027%; no homozygotes.

Submission:

PreventionGenetics, part of Exact Sciences
Classification: Likely benign for TRIM28-related condition. Last evaluated: 2024-03-06. Review status: no assertion criteria provided. Collection method: clinical testing. Allele origin: germline.
Comment: This variant is classified as likely benign based on ACMG/AMP sequence variant interpretation guidelines (Richards et al. 2015 PMID: 25741868, with internal and published modifications).

NM_005762.3(TRIM28):c.2358C>T (p.Ile786=)

Gene: TRIM28 (tripartite motif containing 28; plus strand). Cytogenetic location: 19q13.43.
Variant type: single nucleotide variant.
Coding change: c.2358C>T on transcript NM_005762.3 (MANE Select); coding-DNA position 2358, C replaced by T.
Protein change: p.Ile786=; no amino-acid change (isoleucine 786 retained).
Molecular consequence: synonymous variant.
Genome position (GRCh38, 1-based): chr19:58,550,403, C>T. VCF-style: chr19-58550403-C-T. GRCh37 (hg19) VCF-style: chr19-59061770-C-T.
Identifiers: ClinVar variation 3355824 (VCV003355824.1).